The following is an entry in ClinVar:

ClinVar aggregate classification (germline): Uncertain significance. Review status: criteria provided, multiple submitters, no conflicts (2 of 4 stars). 2 submissions from 2 submitters: Uncertain significance (2). Last evaluated 2022-09-15.

Conditions:
Hyperekplexia 3 (HKPX3). Also called: HYPEREKPLEXIA 3, AUTOSOMAL RECESSIVE; HYPEREKPLEXIA 3, AUTOSOMAL DOMINANT. Identifiers: Orphanet 3197, MedGen C3553288, MONDO:0013827, OMIM 614618.

Allele frequency attached by ClinVar (database versions not stated): TOPMed 0.00001; ExAC 0.00002; gnomAD 0.00001; gnomAD exomes 0.00001.
gnomAD v4.1: 11 of 1,613,966 alleles (0.00068%); highest among the groups gnomAD compares: African/African-American, 0.008%; no homozygotes.

Submissions (2):

Blueprint Genetics
Classification: Uncertain significance. Last evaluated: 2022-09-15. Review status: criteria provided, single submitter. Criteria: ACMG Guidelines, 2015. Collection method: clinical testing. Allele origin: germline.

Labcorp Genetics (formerly Invitae), Labcorp
Classification: Uncertain significance for Hyperekplexia 3. Last evaluated: 2022-06-22. Review status: criteria provided, single submitter. Criteria: Invitae Variant Classification Sherloc (09022015). Collection method: clinical testing. Allele origin: germline.
Comment: This sequence change replaces threonine, which is neutral and polar, with methionine, which is neutral and non-polar, at codon 163 of the SLC6A5 protein (p.Thr163Met). This variant is present in population databases (rs772582591, gnomAD 0.003%). This variant has not been reported in the literature in individuals affected with SLC6A5-related conditions. Advanced modeling of protein sequence and biophysical properties (such as structural, functional, and spatial information, amino acid conservation, physicochemical variation, residue mobility, and thermodynamic stability) performed at Invitae indicates that this missense variant is not expected to disrupt SLC6A5 protein function. In summary, the available evidence is currently insufficient to determine the role of this variant in disease. Therefore, it has been classified as a Variant of Uncertain Significance.

NM_004211.5(SLC6A5):c.488C>T (p.Thr163Met)

Gene: SLC6A5 (solute carrier family 6 member 5; plus strand). Cytogenetic location: 11p15.1.
Variant type: single nucleotide variant.
Coding change: c.488C>T on transcript NM_004211.5 (MANE Select); coding-DNA position 488, C replaced by T.
Protein change: p.Thr163Met; replaces threonine 163 with methionine.
Molecular consequence: missense variant. On other transcripts: 5 prime UTR variant (1).
Genome position (GRCh38, 1-based): chr11:20,601,613, C>T. VCF-style: chr11-20601613-C-T. GRCh37 (hg19) VCF-style: chr11-20623159-C-T.
Other names: c.-76C>T (NM_001318369.2); short protein forms T163M.
Identifiers: ClinVar variation 2076139 (VCV002076139.2), dbSNP rs772582591, ClinGen allele CA5921092.
Genomic context (GRCh38, chr11:20,601,613, plus strand): 5'-GGAACAATACCCCTGTTGTGGGCTGGGTGAACATGAGCCAGAGCACCGTGGTGCTGGCCA[C>T]GGATGGAATCACGTCCGTGCTCCCGGGCAGCGTGGCCACCGTTGCCACCCAGGTAAGCAG-3'
Protein context (NP_004202.4, residues 153-173): NMSQSTVVLA[Thr163Met]DGITSVLPGS